The following is an entry in ClinVar:

NM_000038.6(APC):c.237_239del (p.Ser80del)

Gene: APC (APC regulator of Wnt signaling pathway; plus strand). Cytogenetic location: 5q22.2.
Variant type: Deletion.
Coding change: c.237_239del on transcript NM_000038.6 (MANE Select); coding-DNA positions 237 to 239, 3 bases deleted (CAG; older notation c.237_239delCAG).
Protein change: p.Ser80del; deletes serine 80.
Molecular consequence: inframe deletion. On other transcripts: 5 prime UTR variant (4), non-coding transcript variant (2).
Genome position (GRCh38, 1-based): chr5:112,767,205-112,767,207, CAG deleted; deleting any 3 consecutive bases within chr5:112,767,203-112,767,207 gives the same sequence; the c. name uses the placement nearest the transcript's 3' end. VCF-style (leftmost placement, unchanged base first): chr5-112767202-TAGC-T. GRCh37 (hg19) VCF-style: chr5-112102899-TAGC-T.
Other names: c.237_239del, p.Ser80del (NM_001127510.3, NM_001354895.2, NM_001354896.2 and 16 more transcripts); c.267_269del, p.Ser90del (NM_001127511.3, NM_001354897.2, NM_001354902.2 and 1 more transcripts); c.162_164del, p.Ser55del (NM_001354898.2, NM_001354904.2, NM_001407451.1); c.60_62del, p.Ser21del (NM_001354900.2, NM_001354901.2, NM_001354905.2 and 1 more transcripts); c.-799_-797del (NM_001354906.2, NM_001407470.1, NM_001407471.1 and 1 more transcripts); short protein forms S21del, S80del, S55del, S90del.
Identifiers: ClinVar variation 4720721 (VCV004720721.1).
Genomic context (GRCh38, chr5:112,767,202, plus strand): 5'-CTGCTTAAAGCAATTGTTGTATAAAAACTTGTTTCTATTTTATTTAGAGCTTAACTTAGA[TAGC>T]AGTAATTTCCCTGGAGTAAAACTGCGGTCAAAAATGTCCCTCCGTTCTTATGGAAGCCGG-3'

ClinVar aggregate classification (germline): Uncertain significance (1 of 4 stars; one submission).

Conditions:
Familial adenomatous polyposis 1 (FAP1). Also called: FAMILIAL ADENOMATOUS POLYPOSIS 1, ATTENUATED; POLYPOSIS, ADENOMATOUS INTESTINAL. Identifiers: MedGen C2713442, MONDO:0021056, OMIM 175100. Disease mechanism: loss of function.

Submission:

Labcorp Genetics (formerly Invitae), Labcorp
Classification: Uncertain significance for Familial adenomatous polyposis 1. Last evaluated: 2025-06-03. Review status: criteria provided, single submitter. Criteria: Invitae Variant Classification Sherloc (09022015). Collection method: clinical testing. Allele origin: germline.
Comment: This variant, c.237_239del, results in the deletion of 1 amino acid(s) of the APC protein (p.Ser80del), but otherwise preserves the integrity of the reading frame. This variant is not present in population databases (gnomAD no frequency). This variant has not been reported in the literature in individuals affected with APC-related conditions. Experimental studies and prediction algorithms are not available or were not evaluated, and the functional significance of this variant is currently unknown. In summary, the available evidence is currently insufficient to determine the role of this variant in disease. Therefore, it has been classified as a Variant of Uncertain Significance.